The following is an entry in ClinVar:

ClinVar aggregate classification (germline): Uncertain significance (1 of 4 stars; one submission).

Allele frequency attached by ClinVar (database versions not stated): ExAC 0.00001; gnomAD 0.00001; TOPMed 0.00001; ESP Exome Variant Server 0.00008.
gnomAD v4.1: 57 of 1,613,282 alleles (0.0035%); highest among the groups gnomAD compares: Non-Finnish European, 0.0047%; no homozygotes.

Submission:

Labcorp Genetics (formerly Invitae), Labcorp
Classification: Uncertain significance. Last evaluated: 2024-12-09. Review status: criteria provided, single submitter. Criteria: Invitae Variant Classification Sherloc (09022015). Collection method: clinical testing. Allele origin: germline.
Comment: This sequence change replaces alanine, which is neutral and non-polar, with valine, which is neutral and non-polar, at codon 2922 of the CDH23 protein (p.Ala2922Val). This variant is present in population databases (rs372613108, gnomAD 0.003%). This variant has not been reported in the literature in individuals affected with CDH23-related conditions. ClinVar contains an entry for this variant (Variation ID: 2168412). An algorithm developed to predict the effect of missense changes on protein structure and function outputs the following: PolyPhen-2: "Not Available". The valine amino acid residue is found in multiple mammalian species, which suggests that this missense change does not adversely affect protein function. In summary, the available evidence is currently insufficient to determine the role of this variant in disease. Therefore, it has been classified as a Variant of Uncertain Significance.

NM_022124.6(CDH23):c.8765C>T (p.Ala2922Val)

Gene: CDH23 (cadherin related 23; plus strand). Cytogenetic location: 10q22.1.
Variant type: single nucleotide variant.
Coding change: c.8765C>T on transcript NM_022124.6 (MANE Select); coding-DNA position 8765, C replaced by T.
Protein change: p.Ala2922Val; replaces alanine 2922 with valine.
Molecular consequence: missense variant.
Genome position (GRCh38, 1-based): chr10:71,809,862, C>T. VCF-style: chr10-71809862-C-T. GRCh37 (hg19) VCF-style: chr10-73569619-C-T.
Other names: c.2045C>T, p.Ala682Val (NM_001171933.1, NM_001171934.1); short protein forms A2922V, A682V.
Identifiers: ClinVar variation 2168412 (VCV002168412.2), dbSNP rs372613108, ClinGen allele CA5546747.